The following is an entry in ClinVar:

ClinVar aggregate classification (germline): Benign. Review status: criteria provided, multiple submitters, no conflicts (2 of 4 stars). 5 submissions from 5 submitters: Benign (5). Last evaluated 2019-10-30.

Conditions:
Hecht syndrome (DA7). Also called: MOUTH, INABILITY TO OPEN COMPLETELY, AND SHORT FINGER-FLEXOR TENDONS; Dutch-Kentucky syndrome. Identifiers: Orphanet 3377, MedGen C0265226, MONDO:0008016, OMIM 158300. Disease mechanism: gain of function.

Allele frequency attached by ClinVar (database versions not stated): TOPMed 0.04449; 1000 Genomes Project 30x 0.04731; ESP Exome Variant Server 0.04905; 1000 Genomes Project 0.05052.
gnomAD v4.1: 94,504 of 1,613,636 alleles (5.9%); highest among the groups gnomAD compares: South Asian, 11%; 3,202 homozygotes.

Submissions (5):

GeneDx
Classification: Benign. Last evaluated: 2019-10-30. Review status: criteria provided, single submitter. Criteria: GeneDx Variant Classification Process June 2021. Collection method: clinical testing. Allele origin: germline. Affected: yes.

Illumina Laboratory Services, Illumina
Classification: Benign for Hecht syndrome. Last evaluated: 2018-01-13. Review status: criteria provided, single submitter. Criteria: ICSL Variant Classification Criteria 13 December 2019. Collection method: clinical testing. Allele origin: germline.
Comment: This variant was observed in the ICSL laboratory as part of a predisposition screen in an ostensibly healthy population. It had not been previously curated by ICSL or reported in the Human Gene Mutation Database (HGMD: prior to June 1st, 2018), and was therefore a candidate for classification through an automated scoring system. Utilizing variant allele frequency, disease prevalence and penetrance estimates, and inheritance mode, an automated score was calculated to assess if this variant is too frequent to cause the disease. Based on the score and internal cut-off values, a variant classified as benign is not then subjected to further curation. The score for this variant resulted in a classification of benign for this disease.

Genetic Services Laboratory, University of Chicago
Classification: Benign for AllHighlyPenetrant. Last evaluated: 2013-08-15. Review status: criteria provided, single submitter. Criteria: ACMG Guidelines, 2007. Collection method: clinical testing. Allele origin: germline. Inheritance: Autosomal dominant inheritance.

Breakthrough Genomics
Classification: Benign. Review status: criteria provided, single submitter. Criteria: ACMG Guidelines, 2015. Collection method: not provided. Allele origin: germline. Inheritance: Autosomal dominant inheritance. Affected: yes.

PreventionGenetics, part of Exact Sciences
Classification: Benign. Review status: criteria provided, single submitter. Criteria: ACMG Guidelines, 2015. Collection method: clinical testing. Allele origin: germline.

NM_002472.3(MYH8):c.3117G>A (p.Gly1039=)

Genes: MYHAS (myosin heavy chain gene cluster antisense RNA; plus strand), MYH8 (myosin heavy chain 8; minus strand), LOC126862494 (BRD4-independent group 4 enhancer GRCh37_chr17:10303826-10305025; plus strand). Cytogenetic location: 17p13.1.
Variant type: single nucleotide variant.
Coding change: c.3117G>A on transcript NM_002472.3 (MANE Select); coding-DNA position 3117, G replaced by A.
Protein change: p.Gly1039=; no amino-acid change (glycine 1039 retained).
Molecular consequence: synonymous variant.
Genome position (GRCh38, 1-based): chr17:10,401,183, C>T on the plus strand (G>A on the coding strand, the complement: MYH8 is on the minus strand). VCF-style: chr17-10401183-C-T. GRCh37 (hg19) VCF-style: chr17-10304500-C-T.
Identifiers: ClinVar variation 129673 (VCV000129673.12), dbSNP rs3744553, ClinGen allele CA153820.